The following is an entry in ClinVar:

NM_001243279.3(ACSF3):c.1A>G (p.Met1Val)

Gene: ACSF3 (acyl-CoA synthetase family member 3; plus strand). Cytogenetic location: 16q24.3.
Variant type: single nucleotide variant.
Coding change: c.1A>G on transcript NM_001243279.3 (MANE Select); coding-DNA position 1, A replaced by G.
Protein change: p.Met1Val; changes the start codon (methionine 1).
Molecular consequence: missense variant, initiator codon variant. On other transcripts: non-coding transcript variant (3), intron variant (1).
Genome position (GRCh38, 1-based): chr16:89,100,682, A>G. VCF-style: chr16-89100682-A-G. GRCh37 (hg19) VCF-style: chr16-89167090-A-G.
Other names: p.M1V:ATG>GTG; c.1A>G, p.Met1Val (NM_001127214.4, NM_174917.5); c.-129-1922A>G (NM_001284316.2); short protein forms M1V.
Identifiers: ClinVar variation 203603 (VCV000203603.9), dbSNP rs370382601, ClinGen allele CA312305.
Genomic context (GRCh38, chr16:89,100,682, plus strand): 5'-ACAGTTGGGCACTCACGTCCTGTGCCTTGCCTTTCTCCAGCTCGGCCGCCTGTCAGTGCA[A>G]TGCTGCCCCATGTGGTGCTCACCTTCCGGCGCCTGGGCTGCGCCTTGGCGTCCTGCCGGC-3'
Protein context (NP_001230208.1, residues 1-11): [Met1Val]LPHVVLTFRR

ClinVar aggregate classification (germline): Conflicting classifications of pathogenicity. Review status: criteria provided, conflicting classifications (1 of 4 stars). 6 submissions from 6 submitters: Pathogenic (1); Likely pathogenic (4); Uncertain significance (1). Last evaluated 2025-12-02.

Conditions:
ACSF3-related disorder. Also called: ACSF3-related condition.
Combined malonic and methylmalonic acidemia. Identifiers: Orphanet 289504, MedGen C3280314, MONDO:0013661, OMIM 614265.

Allele frequency attached by ClinVar (database versions not stated): ExAC 0.00007; gnomAD 0.00047 and 0.00053; TOPMed 0.00013; ESP Exome Variant Server 0.00016; gnomAD exomes 0.00007.

Submissions (6):

Natera, Inc.
Classification: Likely pathogenic for Combined malonic and methylmalonic aciduria. Last evaluated: 2025-12-02. Review status: criteria provided, single submitter. Criteria: Natera Variant Classification Schema (03/2026). Collection method: clinical testing. Allele origin: germline.
Comment: The c.1A>G variant in ACSF3 is predicted to result in start loss due to disruption of the initiator methionine. This variant is expected to result in nonsense mediated decay, truncation, or a dysfunctional protein product. This variant is rare in the general population with a frequency below the threshold expected for the associated phenotype(s). This variant has been observed in one or more individuals affected with the associated recessive disease, as either homozygous or compound heterozygous with a second variant (PMID: 36717752). Given the available evidence, this variant is classified as Likely Pathogenic.

Fulgent Genetics
Classification: Likely pathogenic for Combined malonic and methylmalonic acidemia. Last evaluated: 2024-01-16. Review status: criteria provided, single submitter. Criteria: ACMG Guidelines, 2015. Collection method: clinical testing. Allele origin: germline.

PreventionGenetics, part of Exact Sciences
Classification: Likely pathogenic for ACSF3-related condition. Last evaluated: 2023-03-28. Review status: criteria provided, single submitter. Criteria: ACMG Guidelines, 2015. Collection method: clinical testing. Allele origin: germline.
Comment: The ACSF3 c.1A>G variant is predicted to disrupt the translation initiation site (Start loss). This variant was reported in the homozygous state in an individual from a methylmalonic aciduria cohort (Table S1, Forny et al. 2023. PubMed ID: 36717752). This variant is reported in 0.064% of alleles in individuals of African descent in gnomAD. This variant is interpreted as likely pathogenic.

Labcorp Genetics (formerly Invitae), Labcorp
Classification: Uncertain significance for Combined malonic and methylmalonic acidemia. Last evaluated: 2022-10-17. Review status: criteria provided, single submitter. Criteria: Invitae Variant Classification Sherloc (09022015). Collection method: clinical testing. Allele origin: germline.
Comment: This sequence change affects the initiator methionine of the ACSF3 mRNA. The next in-frame methionine is located at codon 117. This variant is present in population databases (rs370382601, gnomAD 0.07%). This variant has not been reported in the literature in individuals affected with ACSF3-related conditions. ClinVar contains an entry for this variant (Variation ID: 203603). In summary, the available evidence is currently insufficient to determine the role of this variant in disease. Therefore, it has been classified as a Variant of Uncertain Significance.

Women's Health and Genetics/Laboratory Corporation of America, LabCorp
Classification: Likely pathogenic for Combined malonic and methylmalonic acidemia. Last evaluated: 2022-08-08. Review status: criteria provided, single submitter. Criteria: LabCorp Variant Classification Summary - May 2015. Collection method: clinical testing. Allele origin: germline.
Comment: Variant summary: ACSF3 c.1A>G (p.Met1?), located in exon 3, alters the initiation codon and is predicted to result either in absence of the protein or truncation of the encoded protein due to translation initiation at a downstream codon. An alternative downstream in-frame start codon (Met 117) is located in exon 3 of the encoded protein. An activation of potential downstream translation initiation site would result in a shortened protein missing the first 116 amino acids from the protein sequence. To our knowledge no other pathogenic variants has been reported upstream of this alternate codon. Three of three in-silico tools predict a benign effect of the variant on protein function. The variant allele was found at a frequency of 6.6e-05 in 135560 control chromosomes. The available data on variant occurrences in the general population are insufficient to allow any conclusion about variant significance. To our knowledge, no occurrence of c.1A>G in individuals affected with Combined Malonic And Methylmalonic Aciduria and no experimental evidence demonstrating its impact on protein function have been reported. One clinical diagnostic laboratory has submitted clinical-significance assessments for this variant to ClinVar after 2014 without evidence for independent evaluation and classified the variant as pathogenic. Based on the evidence outlined above, the variant was classified as likely pathogenic.

GeneDx
Classification: Pathogenic. Last evaluated: 2020-08-12. Review status: criteria provided, single submitter. Criteria: GeneDx Variant Classification Process June 2021. Collection method: clinical testing. Allele origin: germline. Affected: yes.
Comment: Initiation codon variant in a gene for which loss-of-function is a known mechanism of disease; Has not been previously published as pathogenic or benign to our knowledge

Literature cited by the submitters: PubMed 36717752 (cited by Natera, Inc.).